The following is an entry in ClinVar:

ClinVar aggregate classification (germline): Uncertain significance (1 of 4 stars; one submission).

gnomAD v4.1: 6 of 1,613,372 alleles (0.00037%); highest among the groups gnomAD compares: Middle Eastern, 0.075%; no homozygotes.

Submission:

Labcorp Genetics (formerly Invitae), Labcorp
Classification: Uncertain significance. Last evaluated: 2021-10-02. Review status: criteria provided, single submitter. Criteria: Invitae Variant Classification Sherloc (09022015). Collection method: clinical testing. Allele origin: germline.
Comment: In summary, the available evidence is currently insufficient to determine the role of this variant in disease. Therefore, it has been classified as a Variant of Uncertain Significance. Algorithms developed to predict the effect of missense changes on protein structure and function (SIFT, PolyPhen-2, Align-GVGD) all suggest that this variant is likely to be tolerated. This variant is not present in population databases (ExAC no frequency). This sequence change replaces leucine with isoleucine at codon 86 of the PIGC protein (p.Leu86Ile). The leucine residue is weakly conserved and there is a small physicochemical difference between leucine and isoleucine. This variant has not been reported in the literature in individuals affected with PIGC-related conditions.

NM_153747.2(PIGC):c.256T>A (p.Leu86Ile)

Genes: C1orf105 (chromosome 1 open reading frame 105; plus strand), PIGC (phosphatidylinositol glycan anchor biosynthesis class C; minus strand). Cytogenetic location: 1q24.3.
Variant type: single nucleotide variant.
Coding change: c.256T>A on transcript NM_153747.2 (MANE Select); coding-DNA position 256, T replaced by A.
Protein change: p.Leu86Ile; replaces leucine 86 with isoleucine.
Molecular consequence: missense variant. On other transcripts: intron variant (1).
Genome position (GRCh38, 1-based): chr1:172,442,367, A>T on the plus strand (T>A on the coding strand, the complement: PIGC is on the minus strand). VCF-style: chr1-172442367-A-T. GRCh37 (hg19) VCF-style: chr1-172411507-A-T.
Other names: c.256T>A, p.Leu86Ile (NM_002642.4); c.22-2706A>T (NM_139240.4); short protein forms L86I.
Identifiers: ClinVar variation 1492240 (VCV001492240.6), dbSNP rs2149169681, ClinGen allele CA343732852.